The following is an entry in ClinVar:

NM_030665.4(RAI1):c.778G>T (p.Gly260Trp)

Gene: RAI1 (retinoic acid induced 1; plus strand). Cytogenetic location: 17p11.2.
Variant type: single nucleotide variant.
Coding change: c.778G>T on transcript NM_030665.4 (MANE Select); coding-DNA position 778, G replaced by T.
Protein change: p.Gly260Trp; replaces glycine 260 with tryptophan.
Molecular consequence: missense variant.
Genome position (GRCh38, 1-based): chr17:17,793,726, G>T. VCF-style: chr17-17793726-G-T. GRCh37 (hg19) VCF-style: chr17-17697040-G-T.
Other names: short protein forms G260W.
Identifiers: ClinVar variation 2861288 (VCV002861288.3), dbSNP rs933121373, ClinGen allele CA398546183.
Genomic context (GRCh38, chr17:17,793,726, plus strand): 5'-ACAGCACCGACTGCCCAGCCCCATGACAGGCCGCTGACTGCCAGCTCCAGCCTGGCCCCG[G>T]GGCAGCGGGTCCAGAATCTTCATGCCTACCAGTCGGGCCGCCTCAGCTATGACCAGCAGC-3'
Protein context (NP_109590.3, residues 250-270): PLTASSSLAP[Gly260Trp]QRVQNLHAYQ

ClinVar aggregate classification (germline): Uncertain significance (1 of 4 stars; one submission).

Submission:

Labcorp Genetics (formerly Invitae), Labcorp
Classification: Uncertain significance. Last evaluated: 2023-09-01. Review status: criteria provided, single submitter. Criteria: Invitae Variant Classification Sherloc (09022015). Collection method: clinical testing. Allele origin: germline.
Comment: This sequence change replaces glycine, which is neutral and non-polar, with tryptophan, which is neutral and slightly polar, at codon 260 of the RAI1 protein (p.Gly260Trp). This variant is not present in population databases (gnomAD no frequency). This variant has not been reported in the literature in individuals affected with RAI1-related conditions. Advanced modeling of protein sequence and biophysical properties (such as structural, functional, and spatial information, amino acid conservation, physicochemical variation, residue mobility, and thermodynamic stability) performed at Invitae indicates that this missense variant is expected to disrupt RAI1 protein function. In summary, the available evidence is currently insufficient to determine the role of this variant in disease. Therefore, it has been classified as a Variant of Uncertain Significance.